The following is an entry in ClinVar:

ClinVar aggregate classification (germline): Uncertain significance (1 of 4 stars; one submission).

Conditions:
Early-infantile DEE. Also called: Early infantile epileptic encephalopathy with suppression bursts; Early infantile epileptic encephalopathy; Ohtahara syndrome. Identifiers: Orphanet 1934, MedGen C0393706, MONDO:0800491.

Submission:

Labcorp Genetics (formerly Invitae), Labcorp
Classification: Uncertain significance for Early-infantile DEE. Last evaluated: 2022-02-25. Review status: criteria provided, single submitter. Criteria: Invitae Variant Classification Sherloc (09022015). Collection method: clinical testing. Allele origin: germline.
Comment: In summary, the available evidence is currently insufficient to determine the role of this variant in disease. Therefore, it has been classified as a Variant of Uncertain Significance. Algorithms developed to predict the effect of sequence changes on RNA splicing suggest that this variant may create or strengthen a splice site. Algorithms developed to predict the effect of missense changes on protein structure and function are either unavailable or do not agree on the potential impact of this missense change (SIFT: "Deleterious"; PolyPhen-2: "Probably Damaging"; Align-GVGD: "Class C0"). This variant has not been reported in the literature in individuals affected with SCN8A-related conditions. This variant is not present in population databases (gnomAD no frequency). This sequence change replaces glycine, which is neutral and non-polar, with cysteine, which is neutral and slightly polar, at codon 1914 of the SCN8A protein (p.Gly1914Cys).

NM_001330260.2(SCN8A):c.5740G>T (p.Gly1914Cys)

Gene: SCN8A (sodium voltage-gated channel alpha subunit 8; plus strand). Cytogenetic location: 12q13.13.
Variant type: single nucleotide variant.
Coding change: c.5740G>T on transcript NM_001330260.2 (MANE Select); coding-DNA position 5740, G replaced by T.
Protein change: p.Gly1914Cys; replaces glycine 1914 with cysteine.
Molecular consequence: missense variant.
Genome position (GRCh38, 1-based): chr12:51,807,226, G>T. VCF-style: chr12-51807226-G-T. GRCh37 (hg19) VCF-style: chr12-52201010-G-T.
Other names: c.5617G>T, p.Gly1873Cys (NM_001177984.3, NM_001369788.1); c.5740G>T, p.Gly1914Cys (NM_014191.4); short protein forms G1873C, G1914C.
Identifiers: ClinVar variation 1389834 (VCV001389834.7), dbSNP rs2138944580, ClinGen allele CA384889039.